The following is an entry in ClinVar:

ClinVar aggregate classification (germline): Conflicting classifications of pathogenicity. Review status: criteria provided, conflicting classifications (1 of 4 stars). 3 submissions from 3 submitters: Pathogenic (1); Likely pathogenic (1); Uncertain significance (1). Last evaluated 2024-03-13.

Conditions:
Malignant hyperthermia, susceptibility to, 1 (MHS1). Also called: Anesthesia related hyperthermia; Malignant hyperpyrexia; Fulminating hyperpyrexia; Pharmacogenic myopathy; Malignant hyperthermia suceptibility 1; RYR1-Related Malignant Hyperthermia Susceptibility. Identifiers: Orphanet 423, MedGen C2930980, MONDO:0007783, OMIM 145600.
Congenital multicore myopathy with external ophthalmoplegia (CMYO1B). Also called: Congenital myopathy 1B, autosomal recessive; Minicore myopathy; MULTIMINICORE DISEASE WITH EXTERNAL OPHTHALMOPLEGIA; MULTICORE MYOPATHY; Minicore myopathy with external ophthalmoplegia. Identifiers: Orphanet 598, Orphanet 98905, MedGen C1850674, MONDO:0009712, OMIM 255320, HP:0003789.
RYR1-related disorder. Also called: RYR1-related condition; RYR1-related disorders. Identifiers: MedGen CN239331.

Submissions (3):

Labcorp Genetics (formerly Invitae), Labcorp
Classification: Pathogenic for RYR1-related disorder. Last evaluated: 2024-03-13. Review status: criteria provided, single submitter. Criteria: Invitae Variant Classification Sherloc (09022015). Collection method: clinical testing. Allele origin: germline.
Comment: This sequence change creates a premature translational stop signal (p.Asp3986Thrfs*13) in the RYR1 gene. It is expected to result in an absent or disrupted protein product. Loss-of-function variants in RYR1 are known to be pathogenic (PMID: 23919265, 25960145, 28818389, 30611313). This variant is not present in population databases (gnomAD no frequency). This variant has not been reported in the literature in individuals affected with RYR1-related conditions. For these reasons, this variant has been classified as Pathogenic.

All of Us Research Program, National Institutes of Health
Classification: Uncertain significance for Malignant hyperthermia, susceptibility to, 1. Last evaluated: 2023-08-08. Review status: criteria provided, single submitter. Criteria: ACMG Guidelines, 2015. Collection method: clinical testing. Allele origin: germline. Inheritance: Autosomal dominant inheritance. Observed: 1 variant allele, 1 heterozygote.
Comment: This variant deletes 1 nucleotide in exon 87 of the RYR1 gene, creating a frameshift and premature translation stop signal. This variant is expected to result in an absent or non-functional protein product. To our knowledge, this variant has not been reported in individuals affected with RYR1-related disorders in the literature. This variant has not been identified in the general population by the Genome Aggregation Database (gnomAD). Loss of RYR1 function due to truncation variants is not an established disease mechanism for autosomal dominant malignant hyperthermia, although it is associated with other phenotype(s). Due to insufficient evidence, this variant is classified as a Variant of Uncertain Significance for autosomal dominant malignant hyperthermia..

This study involves interpretation of variants in research participants for the purpose of population health screening. Participant phenotype was not available at the time of variant classification. Additional details can be found in publication PMID: 35346344, PMCID: PMC8962531

Kariminejad - Najmabadi Pathology & Genetics Center
Classification: Likely pathogenic for Congenital multicore myopathy with external ophthalmoplegia. Last evaluated: 2022-10-02. Review status: criteria provided, single submitter. Criteria: ACMG Guidelines, 2015. Collection method: clinical testing. Allele origin: germline. Inheritance: Autosomal recessive inheritance. Affected: yes.
Comment: PM2

Literature cited by the submitters: PubMed 23919265 (cited by Labcorp Genetics (formerly Invitae), Labcorp); PubMed 25960145 (cited by Labcorp Genetics (formerly Invitae), Labcorp); PubMed 28818389 (cited by Labcorp Genetics (formerly Invitae), Labcorp); PubMed 30611313 (cited by Labcorp Genetics (formerly Invitae), Labcorp).

NM_000540.3(RYR1):c.11956del (p.Asp3986fs)

Gene: RYR1 (ryanodine receptor 1; plus strand). Cytogenetic location: 19q13.2.
Variant type: Deletion.
Coding change: c.11956del on transcript NM_000540.3 (MANE Select); coding-DNA position 11956, one base deleted (G; older notation c.11956delG).
Protein change: p.Asp3986fs; shifts the reading frame from aspartic acid 3986.
Molecular consequence: frameshift variant.
Genome position (GRCh38, 1-based): chr19:38,543,819, G deleted; the last of 3 consecutive G bases (chr19:38,543,817-38,543,819); deleting any one gives the same sequence. VCF-style (leftmost placement, unchanged base first): chr19-38543816-TG-T. GRCh37 (hg19) VCF-style: chr19-39034456-TG-T.
Other names: c.11941del, p.Asp3981fs (NM_001042723.2); short protein forms D3986fs, D3981fs.
Identifiers: ClinVar variation 2865933 (VCV002865933.5), dbSNP rs2514579287, ClinGen allele CA2739276752.
Genomic context (GRCh38, chr19:38,543,816, plus strand): 5'-CACTCTGCCTCCCAGGGTCCCTGCACCGGGAACCAGCAGAGCCTGGCGCACAGTCGCCTA[TG>T]GGACGCAGTGGTGGGATTCCTGCACGTGTTCGCCCACATGATGATGAAGCTCGCTCAGGT-3'